The following is an entry in ClinVar:

NM_032620.4(GTPBP3):c.938_961del (p.Pro313_Arg320del)

Gene: GTPBP3 (GTP binding protein 3, mitochondrial; plus strand). Cytogenetic location: 19p13.11.
Variant type: Deletion.
Coding change: c.938_961del on transcript NM_032620.4 (MANE Select); coding-DNA positions 938 to 961, 24 bases deleted (CCGTGGAGCAGGAGGGCGTGCGGC).
Protein change: p.Pro313_Arg320del.
Molecular consequence: inframe deletion.
Genome position (GRCh38, 1-based): chr19:17,339,563-17,339,586, CCGTGGAGCAGGAGGGCGTGCGGC deleted; deleting any 24 consecutive bases within chr19:17,339,560-17,339,586 gives the same sequence; the c. name uses the placement nearest the transcript's 3' end. VCF-style (leftmost placement, unchanged base first): chr19-17339559-GGGCCCGTGGAGCAGGAGGGCGTGC-G. GRCh37 (hg19) VCF-style: chr19-17450368-GGGCCCGTGGAGCAGGAGGGCGTGC-G.
Other names: c.938_961del, p.Pro313_Arg320del (NM_001128855.3); c.1004_1027del, p.Pro335_Arg342del (NM_001195422.1); c.1034_1057del, p.Pro345_Arg352del (NM_133644.4).
Identifiers: ClinVar variation 2230702 (VCV002230702.2), dbSNP rs2513207202, ClinGen allele CA2576712548.

ClinVar aggregate classification (germline): Uncertain significance (1 of 4 stars; one submission).

Conditions:
Inborn genetic diseases. Identifiers: MedGen C0950123, MeSH D030342.

Submission:

Ambry Genetics
Classification: Uncertain significance for Inborn genetic diseases. Last evaluated: 2021-05-25. Review status: criteria provided, single submitter. Criteria: Ambry Variant Classification Scheme 2023. Collection method: clinical testing. Allele origin: germline.
Comment: The c.1034_1057del24 (p.P345_R352del) alteration is located in exon 6 (coding exon 6) of the GTPBP3 gene. This alteration consists of an in-frame deletion of 24 nucleotides between nucleotide positions c.1034 and c.1057, resulting in the deletion of 8 residues. Based on insufficient or conflicting evidence, the clinical significance of this alteration remains unclear.